The following is an entry in ClinVar:

NM_020937.4(FANCM):c.539T>C (p.Ile180Thr)

Gene: FANCM (FA complementation group M; plus strand). Cytogenetic location: 14q21.2.
Variant type: single nucleotide variant.
Coding change: c.539T>C on transcript NM_020937.4 (MANE Select); coding-DNA position 539, T replaced by C.
Protein change: p.Ile180Thr; replaces isoleucine 180 with threonine.
Molecular consequence: missense variant.
Genome position (GRCh38, 1-based): chr14:45,137,099, T>C. VCF-style: chr14-45137099-T-C. GRCh37 (hg19) VCF-style: chr14-45606302-T-C.
Other names: c.539T>C, p.Ile180Thr (NM_001308133.2, NM_001308134.2); c.539T>C (NM_020937.2); short protein forms I180T.
Identifiers: ClinVar variation 1443994 (VCV001443994.9), dbSNP rs2139106376, ClinGen allele CA389588670.
Genomic context (GRCh38, chr14:45,137,099, plus strand): 5'-TAGAATGTAGAATGTCACTTTTATTTTCAGGGTCTACACAAGCTTCCACCAGGAAGGAAA[T>C]ATGGTGCAGTAAGAGAGTGCTTTTTCTTACACCTCAGGTCATGGTAAATGACCTTTCTAG-3'
Protein context (NP_065988.1, residues 170-190): GSTQASTRKE[Ile180Thr]WCSKRVLFLT

ClinVar aggregate classification (germline): Uncertain significance. Review status: criteria provided, multiple submitters, no conflicts (2 of 4 stars). 2 submissions from 2 submitters: Uncertain significance (2). Last evaluated 2025-05-07.

Conditions:
Fanconi anemia (FA). Also called: Fanconi's anemia. Identifiers: Orphanet 84, MedGen C0015625, MeSH D005199, MONDO:0019391.
Inborn genetic diseases. Identifiers: MedGen C0950123, MeSH D030342.

Submissions (2):

Ambry Genetics
Classification: Uncertain significance for Inborn genetic diseases. Last evaluated: 2025-05-07. Review status: criteria provided, single submitter. Criteria: Ambry Variant Classification Scheme 2023. Collection method: clinical testing. Allele origin: germline.
Comment: The p.I180T variant (also known as c.539T>C), located in coding exon 2 of the FANCM gene, results from a T to C substitution at nucleotide position 539. The isoleucine at codon 180 is replaced by threonine, an amino acid with similar properties. This amino acid position is conserved. In addition, this alteration is predicted to be tolerated by in silico analysis. Based on the available evidence, the clinical significance of this variant remains unclear.

Labcorp Genetics (formerly Invitae), Labcorp
Classification: Uncertain significance for Fanconi anemia. Last evaluated: 2021-06-13. Review status: criteria provided, single submitter. Criteria: Invitae Variant Classification Sherloc (09022015). Collection method: clinical testing. Allele origin: germline.
Comment: This sequence change replaces isoleucine with threonine at codon 180 of the FANCM protein (p.Ile180Thr). The isoleucine residue is moderately conserved and there is a moderate physicochemical difference between isoleucine and threonine. This variant is not present in population databases (ExAC no frequency). This variant has not been reported in the literature in individuals with FANCM-related conditions. Algorithms developed to predict the effect of missense changes on protein structure and function are either unavailable or do not agree on the potential impact of this missense change (SIFT: "Deleterious"; PolyPhen-2: "Benign"; Align-GVGD: "Class C0"). In summary, the available evidence is currently insufficient to determine the role of this variant in disease. Therefore, it has been classified as a Variant of Uncertain Significance.